The following is an entry in ClinVar:

NM_000548.5(TSC2):c.2154C>T (p.Arg718=)

Gene: TSC2 (TSC complex subunit 2; plus strand). Cytogenetic location: 16p13.3.
Variant type: single nucleotide variant.
Coding change: c.2154C>T on transcript NM_000548.5 (MANE Select); coding-DNA position 2154, C replaced by T.
Protein change: p.Arg718=; no amino-acid change (arginine 718 retained).
Molecular consequence: synonymous variant.
Genome position (GRCh38, 1-based): chr16:2,072,297, C>T. VCF-style: chr16-2072297-C-T. GRCh37 (hg19) VCF-style: chr16-2122298-C-T.
Other names: c.2154C>T (NM_000548.3); c.2154C>T, p.Arg718= (NM_001077183.3, NM_001114382.3, NM_001363528.2 and 3 more transcripts); c.2043C>T, p.Arg681= (NM_001318827.2); c.2007C>T, p.Arg669= (NM_001318829.2); c.1554C>T, p.Arg518= (NM_001318831.2); c.2187C>T, p.Arg729= (NM_001318832.2).
Identifiers: ClinVar variation 1452764 (VCV001452764.10), dbSNP rs878854081, ClinGen allele CA493042686.

ClinVar aggregate classification (germline): Benign/Likely benign. Review status: criteria provided, multiple submitters, no conflicts (2 of 4 stars). 3 submissions from 3 submitters: Benign (1); Likely benign (2). Last evaluated 2025-05-19.

Conditions:
Hereditary cancer-predisposing syndrome. Also called: Hereditary Cancer Syndrome; Hereditary neoplastic syndrome; Tumor predisposition; Neoplastic Syndromes, Hereditary. Identifiers: Orphanet 140162, MedGen C0027672, MeSH D009386, MONDO:0015356.
Tuberous sclerosis 2 (TSC2). Identifiers: Orphanet 805, MedGen C1860707, MONDO:0013199, OMIM 613254.

gnomAD v4.1: 3 of 1,614,166 alleles (0.00019%); highest among the groups gnomAD compares: Non-Finnish European, 0.00025%; no homozygotes.

Submissions (3):

Myriad Genetics, Inc.
Classification: Benign for Tuberous sclerosis 2. Last evaluated: 2025-05-19. Review status: criteria provided, single submitter. Criteria: Myriad Autosomal Dominant, Autosomal Recessive and X-Linked Classification Criteria (2023). Collection method: clinical testing. Allele origin: unknown.
Comment: This variant is considered benign. This variant is a silent/synonymous amino acid change and it is not expected to impact splicing.

Ambry Genetics
Classification: Likely benign for Hereditary cancer-predisposing syndrome. Last evaluated: 2025-01-21. Review status: criteria provided, single submitter. Criteria: Ambry Variant Classification Scheme 2023. Collection method: clinical testing. Allele origin: germline.

Labcorp Genetics (formerly Invitae), Labcorp
Classification: Likely benign for Tuberous sclerosis 2. Last evaluated: 2025-01-06. Review status: criteria provided, single submitter. Criteria: Invitae Variant Classification Sherloc (09022015). Collection method: clinical testing. Allele origin: germline.